The following is an entry in ClinVar:

NM_015570.4(AUTS2):c.3635C>T (p.Pro1212Leu)

Gene: AUTS2 (activator of transcription and developmental regulator AUTS2; plus strand). Cytogenetic location: 7q11.22.
Variant type: single nucleotide variant.
Coding change: c.3635C>T on transcript NM_015570.4 (MANE Select); coding-DNA position 3635, C replaced by T.
Protein change: p.Pro1212Leu; replaces proline 1212 with leucine.
Molecular consequence: missense variant.
Genome position (GRCh38, 1-based): chr7:70,790,851, C>T. VCF-style: chr7-70790851-C-T. GRCh37 (hg19) VCF-style: chr7-70255837-C-T.
Other names: c.3563C>T, p.Pro1188Leu (NM_001127231.3); short protein forms P1188L, P1212L.
Identifiers: ClinVar variation 3357621 (VCV003357621.1).

ClinVar aggregate classification (germline): Uncertain significance (0 of 4 stars; one submission).

Conditions:
AUTS2-related disorder. Also called: AUTS2-related condition.

gnomAD v4.1: 15 of 1,607,120 alleles (0.00093%); highest among the groups gnomAD compares: Admixed American, 0.0017%; no homozygotes.

Submission:

PreventionGenetics, part of Exact Sciences
Classification: Uncertain significance for AUTS2-related condition. Last evaluated: 2024-04-02. Review status: no assertion criteria provided. Collection method: clinical testing. Allele origin: germline.
Comment: The AUTS2 c.3635C>T variant is predicted to result in the amino acid substitution p.Pro1212Leu. To our knowledge, this variant has not been reported in the literature or in a large population database, indicating this variant is rare. At this time, the clinical significance of this variant is uncertain due to the absence of conclusive functional and genetic evidence.